The following is an entry in ClinVar:

ClinVar aggregate classification (germline): Uncertain significance (1 of 4 stars; one submission).

Conditions:
Early-infantile DEE. Also called: Early infantile epileptic encephalopathy; Ohtahara syndrome; Early infantile epileptic encephalopathy with suppression bursts. Identifiers: Orphanet 1934, MedGen C0393706, MONDO:0800491.

Submission:

Labcorp Genetics (formerly Invitae), Labcorp
Classification: Uncertain significance for Early-infantile DEE. Last evaluated: 2024-11-29. Review status: criteria provided, single submitter. Criteria: Invitae Variant Classification Sherloc (09022015). Collection method: clinical testing. Allele origin: germline.
Comment: This sequence change falls in intron 13 of the KCNQ2 gene. It does not directly change the encoded amino acid sequence of the KCNQ2 protein. It affects a nucleotide within the consensus splice site. This variant is not present in population databases (gnomAD no frequency). This variant has not been reported in the literature in individuals affected with KCNQ2-related conditions. Variants that disrupt the consensus splice site are a relatively common cause of aberrant splicing (PMID: 17576681, 9536098). Algorithms developed to predict the effect of sequence changes on RNA splicing suggest that this variant may disrupt the consensus splice site. In summary, the available evidence is currently insufficient to determine the role of this variant in disease. Therefore, it has been classified as a Variant of Uncertain Significance.

Literature cited by the submitters: PubMed 17576681; PubMed 9536098.

NM_172107.4(KCNQ2):c.1525+5G>C

Gene: KCNQ2 (potassium voltage-gated channel subfamily Q member 2; minus strand). Cytogenetic location: 20q13.33.
Variant type: single nucleotide variant.
Coding change: c.1525+5G>C on transcript NM_172107.4 (MANE Select); 5 bases into the intron after coding-DNA position 1525, G replaced by C.
Molecular consequence: intron variant.
Genome position (GRCh38, 1-based): chr20:63,414,898, C>G on the plus strand (G>C on the coding strand, the complement: KCNQ2 is on the minus strand). VCF-style: chr20-63414898-C-G. GRCh37 (hg19) VCF-style: chr20-62046251-C-G.
Other names: c.1441+5G>C (NM_004518.6); c.1435+5G>C (NM_172108.5); c.1471+5G>C (NM_172106.3, NM_001382235.1).
Identifiers: ClinVar variation 3725057 (VCV003725057.2).
Genomic context (GRCh38, chr20:63,414,898, plus strand): 5'-AGTAGCGTGGCCACCACATCCATCCCCGGAGAGGATGGACCAGGAGAGGATGCGGCCACA[C>G]CCACCTTCTGAGTTCTGCCGTGACGCGGCACCCTTGATGCGGAAAGCCTGGCGTGCCCGG-3'